The following is an entry in ClinVar:

ClinVar aggregate classification (germline): Uncertain significance (1 of 4 stars; one submission).

Conditions:
Encephalopathy, acute, infection-induced (herpes-specific), susceptibility to, 6. Also called: Herpes simplex encephalitis, susceptibility to, 4. Identifiers: Orphanet 1930, MedGen C3553869, MONDO:0013921, OMIM 614850.

Allele frequency attached by ClinVar (database versions not stated): TOPMed below 0.00001.
gnomAD v4.1: 3 of 1,591,546 alleles (0.00019%); highest among the groups gnomAD compares: East Asian, 0.0022%; no homozygotes.

Submission:

Labcorp Genetics (formerly Invitae), Labcorp
Classification: Uncertain significance for Encephalopathy, acute, infection-induced (herpes-specific), susceptibility to, 6. Last evaluated: 2022-04-07. Review status: criteria provided, single submitter. Criteria: Invitae Variant Classification Sherloc (09022015). Collection method: clinical testing. Allele origin: germline.
Comment: This sequence change creates a premature translational stop signal (p.Arg195*) in the TICAM1 gene. While this is not anticipated to result in nonsense mediated decay, it is expected to disrupt the last 518 amino acid(s) of the TICAM1 protein. This variant is not present in population databases (gnomAD no frequency). This variant has not been reported in the literature in individuals affected with TICAM1-related conditions. In summary, the available evidence is currently insufficient to determine the role of this variant in disease. Therefore, it has been classified as a Variant of Uncertain Significance.

NM_182919.4(TICAM1):c.583C>T (p.Arg195Ter)

Gene: TICAM1 (TIR domain containing adaptor molecule 1; minus strand). Cytogenetic location: 19p13.3.
Variant type: single nucleotide variant.
Coding change: c.583C>T on transcript NM_182919.4 (MANE Select); coding-DNA position 583, C replaced by T.
Protein change: p.Arg195Ter; replaces arginine 195 with a stop codon.
Molecular consequence: nonsense. On other transcripts: 5 prime UTR variant (1).
Genome position (GRCh38, 1-based): chr19:4,817,795, G>A on the plus strand (C>T on the coding strand, the complement: TICAM1 is on the minus strand). VCF-style: chr19-4817795-G-A. GRCh37 (hg19) VCF-style: chr19-4817807-G-A.
Other names: c.541C>T, p.Arg181Ter (NM_001385678.1); c.448C>T, p.Arg150Ter (NM_001385679.1); c.-60C>T (NM_001385680.1); short protein forms R150*, R181*, R195*.
Identifiers: ClinVar variation 1444923 (VCV001444923.6), dbSNP rs746169578, ClinGen allele CA403492332.